The following is an entry in ClinVar:

NM_022552.5(DNMT3A):c.1074G>A (p.Thr358=)

Gene: DNMT3A (DNA methyltransferase 3 alpha; minus strand). Cytogenetic location: 2p23.3.
Variant type: single nucleotide variant.
Coding change: c.1074G>A on transcript NM_022552.5 (MANE Select); coding-DNA position 1074, G replaced by A.
Protein change: p.Thr358=; no amino-acid change (threonine 358 retained).
Molecular consequence: synonymous variant. On other transcripts: non-coding transcript variant (1).
Genome position (GRCh38, 1-based): chr2:25,247,099, C>T on the plus strand (G>A on the coding strand, the complement: DNMT3A is on the minus strand). VCF-style: chr2-25247099-C-T. GRCh37 (hg19) VCF-style: chr2-25469968-C-T.
Other names: c.1074G>A, p.Thr358= (NM_175629.2); c.618G>A, p.Thr206= (NM_001320893.1); c.405G>A, p.Thr135= (NM_001375819.1); c.507G>A, p.Thr169= (NM_153759.3); c.1074G>A (NM_022552.3).
Identifiers: ClinVar variation 742642 (VCV000742642.12), dbSNP rs200905691, ClinGen allele CA1556169.
Genomic context (GRCh38, chr2:25,247,099, plus strand): 5'-AGGGACACTCACCTGCAGGACCTCGTAGATGGCTTTGCGGTACATGGGCTGCTTGTTGTA[C>T]GTGGCCTGGTGGAACGCACTGCAAAACGAGCTCAGCGGCATCAGCTTCTCAACACACACC-3'
Protein context (NP_072046.2, residues 348-368): SSFCSAFHQA[Thr358=]YNKQPMYRKA

ClinVar aggregate classification (germline): Likely benign. Review status: criteria provided, multiple submitters, no conflicts (2 of 4 stars). 4 submissions from 4 submitters: Likely benign (3). 1 of the submissions does not count toward it. Last evaluated 2026-01-22.

Conditions:
DNMT3A-related disorder. Also called: DNMT3A-related condition; DNMT3A-related disorders.
Tatton-Brown-Rahman overgrowth syndrome. Also called: Tatton-Brown-Rahman syndrome; Tall stature-intellectual disability-facial dysmorphism syndrome. Identifiers: Orphanet 404443, MedGen C4014545, MONDO:0014382, OMIM 615879.
Inborn genetic diseases. Identifiers: MedGen C0950123, MeSH D030342.

Allele frequency attached by ClinVar (database versions not stated): ExAC 0.00005; gnomAD 0.00006 and 0.00007; TOPMed 0.00006; 1000 Genomes Project 0.00060; 1000 Genomes Project 30x 0.00078.
gnomAD v4.1: 48 of 1,614,098 alleles (0.003%); highest among the groups gnomAD compares: Middle Eastern, 0.016%; no homozygotes.

Submissions (4):

Labcorp Genetics (formerly Invitae), Labcorp
Classification: Likely benign for Tatton-Brown-Rahman overgrowth syndrome. Last evaluated: 2026-01-22. Review status: criteria provided, single submitter. Criteria: Invitae Variant Classification Sherloc (09022015). Collection method: clinical testing. Allele origin: germline.

Ambry Genetics
Classification: Likely benign for Inborn genetic diseases. Last evaluated: 2024-11-20. Review status: criteria provided, single submitter. Criteria: Ambry Variant Classification Scheme 2023. Collection method: clinical testing. Allele origin: germline.

GeneDx
Classification: Likely benign. Last evaluated: 2021-03-09. Review status: criteria provided, single submitter. Criteria: GeneDx Variant Classification Process June 2021. Collection method: clinical testing. Allele origin: germline. Affected: yes.

PreventionGenetics, part of Exact Sciences
Classification: Likely benign for DNMT3A-related condition. Last evaluated: 2024-02-23. Review status: no assertion criteria provided. Collection method: clinical testing. Allele origin: germline. Not counted in ClinVar's aggregate classification.
Comment: This variant is classified as likely benign based on ACMG/AMP sequence variant interpretation guidelines (Richards et al. 2015 PMID: 25741868, with internal and published modifications).